The following is an entry in ClinVar:

NM_004525.3(LRP2):c.3355C>A (p.His1119Asn)

Gene: LRP2 (LDL receptor related protein 2; minus strand). Cytogenetic location: 2q31.1.
Variant type: single nucleotide variant.
Coding change: c.3355C>A on transcript NM_004525.3 (MANE Select); coding-DNA position 3355, C replaced by A.
Protein change: p.His1119Asn; replaces histidine 1119 with asparagine.
Molecular consequence: missense variant.
Genome position (GRCh38, 1-based): chr2:169,244,768, G>T on the plus strand (C>A on the coding strand, the complement: LRP2 is on the minus strand). VCF-style: chr2-169244768-G-T. GRCh37 (hg19) VCF-style: chr2-170101278-G-T.
Other names: short protein forms H1119N.
Identifiers: ClinVar variation 893620 (VCV000893620.42), dbSNP rs183570870, ClinGen allele CA1955056.

ClinVar aggregate classification (germline): Conflicting classifications of pathogenicity. Review status: criteria provided, conflicting classifications (1 of 4 stars). 8 submissions from 8 submitters: Uncertain significance (4); Likely benign (4). Last evaluated 2026-02-03.

Conditions:
Inborn genetic diseases. Identifiers: MedGen C0950123, MeSH D030342.
LRP2-related disorder. Also called: LRP2-related condition.
Donnai-Barrow syndrome. Also called: DBS/FOAR SYNDROME; FACIOOCULOACOUSTICORENAL SYNDROME. Identifiers: Orphanet 2143, MedGen C1857277, MONDO:0009104, OMIM 222448.

Allele frequency attached by ClinVar (database versions not stated): ESP Exome Variant Server 0.00015; 1000 Genomes Project 30x 0.00016; 1000 Genomes Project 0.00020; gnomAD 0.00021 and 0.00022; gnomAD exomes 0.00024 and 0.00033; TOPMed 0.00026; ExAC 0.00027.
gnomAD v4.1: 409 of 1,614,234 alleles (0.025%); highest among the groups gnomAD compares: Middle Eastern, 0.31%; no homozygotes.

Submissions (8):

PreventionGenetics, part of Exact Sciences
Classification: Uncertain significance for LRP2-related condition. Last evaluated: 2026-02-03. Review status: criteria provided, single submitter. Criteria: ACMG Guidelines, 2015. Collection method: clinical testing. Allele origin: germline.
Comment: The LRP2 c.3355C>A variant is predicted to result in the amino acid substitution p.His1119Asn. To our knowledge, this variant has not been reported in the literature. This variant is reported in 0.065% of alleles in individuals of Latino descent in gnomAD. Although we suspect that this variant may be benign, at this time, the clinical significance of this variant is uncertain due to the absence of conclusive functional and genetic evidence.

Labcorp Genetics (formerly Invitae), Labcorp
Classification: Likely benign. Last evaluated: 2026-01-28. Review status: criteria provided, single submitter. Criteria: Invitae Variant Classification Sherloc (09022015). Collection method: clinical testing. Allele origin: germline.

Blueprint Genetics
Classification: Likely benign. Last evaluated: 2024-11-15. Review status: criteria provided, single submitter. Criteria: ACMG Guidelines, 2015. Collection method: clinical testing. Allele origin: germline.

CeGaT Center for Human Genetics Tuebingen
Classification: Likely benign. Last evaluated: 2023-11-01. Review status: criteria provided, single submitter. Criteria: CeGaT Center For Human Genetics Tuebingen Variant Classification Criteria Version 2. Collection method: clinical testing. Allele origin: germline. Affected: yes. Observed: 2 variant alleles.
Comment: LRP2: BP4

Ambry Genetics
Classification: Likely benign for Inborn genetic diseases. Last evaluated: 2022-03-14. Review status: criteria provided, single submitter. Criteria: Ambry Variant Classification Scheme 2023. Collection method: clinical testing. Allele origin: germline.

Genome-Nilou Lab
Classification: Uncertain significance for Donnai-Barrow syndrome. Last evaluated: 2021-07-15. Review status: criteria provided, single submitter. Criteria: ACMG Guidelines, 2015. Collection method: clinical testing. Allele origin: germline. Affected: no.

Illumina Laboratory Services, Illumina
Classification: Uncertain significance for Donnai-Barrow syndrome. Last evaluated: 2017-04-28. Review status: criteria provided, single submitter. Criteria: ICSL Variant Classification Criteria 13 December 2019. Collection method: clinical testing. Allele origin: germline.

Daryl Scott Lab, Baylor College of Medicine
Classification: Uncertain significance for Donnai-Barrow syndrome. Review status: criteria provided, single submitter. Criteria: ACMG Guidelines, 2015. Collection method: clinical testing. Allele origin: maternal. Affected: yes. Observed: 1 compound heterozygote.
Comment: BP4, BP6